The following is an entry in ClinVar:

ClinVar aggregate classification (germline): Pathogenic/Likely pathogenic. Review status: criteria provided, multiple submitters, no conflicts (2 of 4 stars). 14 submissions from 14 submitters: Pathogenic (7); Likely pathogenic (1). 6 of the submissions do not count toward it. Last evaluated 2026-08-11.

Conditions:
PI M(MALTON).
Alpha-1-antitrypsin deficiency (A1ATD). Also called: AAT deficiency; A1AT deficiency; Alpha1-Antitrypsin Deficiency. Identifiers: Orphanet 60, MedGen C0221757, MONDO:0013282, OMIM 613490.
SERPINA1-related disorder. Also called: SERPINA1-related condition; SerpinA1-related disorders.

Submissions (14):

PreventionGenetics, part of Exact Sciences
Classification: Pathogenic for SERPINA1-related condition. Last evaluated: 2026-08-11. Review status: criteria provided, single submitter. Criteria: ACMG Guidelines, 2015. Collection method: clinical testing. Allele origin: germline.
Comment: The SERPINA1 c.227_229delTCT variant is predicted to result in an in-frame deletion (p.Phe76del). This variant, also described as p.Phe52del and the PI*Mmalton allele, has been reported in the homozygous and compound heterozygous states to be pathogenic for alpha-1-antitrypsin deficiency (Curiel et al. 1989. PubMed ID: 2788166; Fraizer et al. 1989. PubMed ID: 2786335; Rodriguez-Frias et al. 2012. PubMed ID: 22291048; Silva et al. 2016. PubMed ID: 27296815). This variant produces a poorly folded protein and is associated with an increased risk of pulmonary emphysema and liver disease (Curiel et al. 1989. PubMed ID: 2788166; Giacopuzzi et al. 2018. PubMed ID: 29882371; Silva et al. 2016. PubMed ID: 27296815). The PI*Mmalton allele has been detected in the heterozygous state in healthy individuals of advanced age; however, heterozygotes are at an increased risk of respiratory complications, which is elevated by cigarette smoke exposure (Aiello et al. 2020. PubMedID 32076552). A homozygous individual was reported with liver fibrosis and cirhosis, and compound heterozygosity with the Z allele was associated with chronic pulmonary obstructive disease (Joly et al. 2015. PubMed ID: 26446624). This variant is reported in 0.040% of alleles in individuals of East Asian descent in gnomAD. This variant is interpreted as pathogenic.

GeneDx
Classification: Pathogenic. Last evaluated: 2026-03-07. Review status: criteria provided, single submitter. Criteria: GeneDx Variant Classification Process June 2021. Collection method: clinical testing. Allele origin: germline.
Comment: In-frame deletion of 1 amino acid(s) in a non-repeat region; In silico analysis supports a deleterious effect on protein structure/function; Also known as p.Phe52del or the PI*Mmalton allele; This variant is associated with the following publications: (PMID: 3491442, 34426522, 31589614, 37685316, 38814878, 37277845, 38791420, 24183282, 29882371, 34308104, 27882547, 19747908, 26321041, 2786335, 33597804, 32076552, 35263815, 39286412, 34638908, DeCurtis2024[CaseReport], 36797151, 6600898, 24969923, 33331634, 2788166, 36630963, 38637533, 27296815, 15744045, 22291048, 24713750)

Dasa
Classification: Pathogenic. Last evaluated: 2026-01-12. Review status: criteria provided, single submitter. Criteria: DASA Assertion Criteria. Collection method: clinical testing. Allele origin: germline.
Comment: NM_000295.5(SERPINA1):c.227_229del (p.Phe76del) is an in-frame deletion predicted to remove phenylalanine at protein position 76 without shifting the reading frame. This variant has been recurrently observed in individuals with SERPINA1-related disorders (PMID: 20301692; PMID: 15744045; PMID: 22291048; PMID: 24183282; PMID: 27296815). Functional evidence supports an impact on the gene or gene product. Also, this variant is rare in population databases. Based on the currently available evidence, this variant is classified as pathogenic.

Labcorp Genetics (formerly Invitae), Labcorp
Classification: Pathogenic for Alpha-1-antitrypsin deficiency. Last evaluated: 2026-01-06. Review status: criteria provided, single submitter. Criteria: Invitae Variant Classification Sherloc (09022015). Collection method: clinical testing. Allele origin: germline.
Comment: This variant, c.227_229del, results in the deletion of 1 amino acid(s) of the SERPINA1 protein (p.Phe76del), but otherwise preserves the integrity of the reading frame. This variant is present in population databases (rs775982338, gnomAD 0.04%). This variant has been observed in individuals with alpha-1-antitrypsin deficiency (AATD) (PMID: 2788166, 3491442, 6600898, 15744045, 22291048, 24183282, 27296815, 27882547). It has also been observed to segregate with disease in related individuals. This variant is also known as PI*Mmalton or Phe52del. Algorithms developed to predict the effect of variants on gene product structure and function are not available or were not evaluated for this variant. Experimental studies have shown that this variant affects SERPINA1 function (PMID: 2788166). For these reasons, this variant has been classified as Pathogenic.

Blueprint Genetics
Classification: Pathogenic for SERPINA1-related disorders. Last evaluated: 2024-05-10. Review status: criteria provided, single submitter. Criteria: ACMG Guidelines, 2015. Collection method: clinical testing. Allele origin: germline. Affected: yes. Observed: 5 variant alleles.

Eurofins Ntd Llc (ga)
Classification: Pathogenic. Last evaluated: 2017-12-08. Review status: criteria provided, single submitter. Criteria: EGL Classification Definitions 2015. Collection method: clinical testing. Allele origin: germline. Observed: 1 variant allele, 1 heterozygote.

Illumina Laboratory Services, Illumina
Classification: Pathogenic for Alpha-1-antitrypsin deficiency. Last evaluated: 2017-04-27. Review status: criteria provided, single submitter. Criteria: ICSL Variant Classification Criteria 09 May 2019. Collection method: clinical testing. Allele origin: germline.
Comment: The SERPINA1 c.227_229delTCT (p.Phe76del) variant is an inframe deletion variant which is often described in the literature as p.Phe51del, p.Phe52del, PI*MMalton, or MMalton. The p.Phe76del variant has been reported in at least seven studies in 16 patients with reduced serum alpha-1 antitrypsin (AAT) concentrations and other phenotypic features consistent with alpha-1 antitrypsin deficiency, including in one in a homozygous state and in 15 in a compound heterozygous state (Sproule et al. 1983; Allen et al 1986; Curiek et al. 1989; Frazier et al. 1989; Lara et al. 2013; Suh-Lailam et al. 2014; Beletic et al 2014). The p.Phe76del variant has also been found in a heterozygous state in at least three individuals with reduced alpha-1 antitrypsin concentrations and normal pulmonary function. The variant was absent from 311 controls and is reported at a frequency of 0.00069 in the East Asian population of the Exome Aggregation Consortium. Curiel et al. (1989) demonstrated abnormal intracellular accumulation of newly synthesized AAT protein in an individual homozygous for the p.Phe76del variant, with inflammation, mild fibrosis, and intrahepatocyte AAT protein accumulation revealed on liver biopsy. Furthermore, functional analysis by retroviral gene transfer of AAT cDNA with the variant into murine cells demonstrated that abnormal intracellular accumulation of AAT protein occurred (Curiel et al 1989). Based on the collective evidence, the p.Phe76del variant is classified as pathogenic for alpha-1 antitrypsin deficiency. This variant was observed by ICSL as part of a predisposition screen in an ostensibly healthy population.

Juno Genomics, Hangzhou Juno Genomics, Inc
Classification: Likely pathogenic for Alpha-1-antitrypsin deficiency. Review status: criteria provided, single submitter. Criteria: ACMG Guidelines, 2015. Collection method: clinical testing. Allele origin: germline.
Comment: Absent from controls (or at extremely low frequency if recessive) in Genome Aggregation Database.;Protein length changes due to in-frame deletions/insertions in a non-repeat region or stop-loss variants.;For recessive disorders, detected in trans with a pathogenic variant.;Well-established in vitro or in vivo functional studies supportive of a damaging effect on the gene or gene product.

OMIM
Classification: other for PI M(MALTON). Last evaluated: 2016-07-15. Review status: no assertion criteria provided. Collection method: literature only. Allele origin: germline. Not counted in ClinVar's aggregate classification.

Counsyl
Classification: Pathogenic for Alpha-1-antitrypsin deficiency. Last evaluated: 2015-11-20. Review status: no assertion criteria provided. Collection method: clinical testing. Allele origin: unknown. Not counted in ClinVar's aggregate classification.

Department of Laboratory Medicine and Genetics, Trillium Health Partners Credit Valley Hospital
Classification: Pathogenic for Alpha-1-antitrypsin deficiency. Last evaluated: 2014-12-08. Review status: no assertion criteria provided. Collection method: curation. Allele origin: germline. Affected: yes. Not counted in ClinVar's aggregate classification.
Comment: amino acid deletion

Clinical Genetics DNA and cytogenetics Diagnostics Lab, Erasmus MC, Erasmus Medical Center
Classification: Pathogenic. Review status: no assertion criteria provided. Collection method: clinical testing. Allele origin: germline. Affected: yes. Study: VKGL Data-share Consensus. Not counted in ClinVar's aggregate classification.

Diagnostic Laboratory, Department of Genetics, University Medical Center Groningen
Classification: Pathogenic. Review status: no assertion criteria provided. Collection method: clinical testing. Allele origin: germline. Affected: yes. Study: VKGL Data-share Consensus. Not counted in ClinVar's aggregate classification.

GeneReviews
No classification provided. Condition: Alpha-1-antitrypsin deficiency. Review status: no classification provided. Collection method: literature only. Allele origin: germline. Affected: yes. Not counted in ClinVar's aggregate classification.

Literature cited by the submitters: PubMed 2788166 (cited by 5 submitters); PubMed 20301692 (cited by Dasa); PubMed 15744045 (cited by 3 submitters); PubMed 22291048 (cited by 3 submitters); PubMed 24183282 (cited by 3 submitters); PubMed 27296815 (cited by Dasa and Labcorp Genetics (formerly Invitae), Labcorp); PubMed 27882547 (cited by Dasa and Labcorp Genetics (formerly Invitae), Labcorp); PubMed 3491442 (cited by Labcorp Genetics (formerly Invitae), Labcorp and Illumina Laboratory Services, Illumina); PubMed 6600898 (cited by Labcorp Genetics (formerly Invitae), Labcorp and Illumina Laboratory Services, Illumina); PubMed 24713750 (cited by Illumina Laboratory Services, Illumina); PubMed 2786335 (cited by 3 submitters); PubMed 24969923 (cited by Illumina Laboratory Services, Illumina); PubMed 2606478 (cited by OMIM); NCBI Bookshelf NBK1519 (cited by GeneReviews).

NM_000295.5(SERPINA1):c.221TCT[2] (p.Phe76del)

Gene: SERPINA1 (serpin family A member 1; minus strand). Cytogenetic location: 14q32.13.
Variant type: Microsatellite.
Coding change: c.221TCT[2] on transcript NM_000295.5 (MANE Select); two copies in a row of the 3-base unit TCT starting at c.221; the reference has three copies in a row; one copy, 3 bases deleted.
Protein change: p.Phe76del; deletes phenylalanine 76.
Molecular consequence: inframe deletion.
Genome position (GRCh38, 1-based): chr14:94,383,009-94,383,011, AGA deleted on the plus strand (TCT on the coding strand, the reverse complement: SERPINA1 is on the minus strand); deleting any 3 consecutive bases within chr14:94,383,009-94,383,017 gives the same sequence; the position shown is the placement nearest the transcript's 3' end. VCF-style (leftmost placement, unchanged base first): chr14-94383008-GAGA-G. GRCh37 (hg19) VCF-style: chr14-94849345-GAGA-G.
Other names: Phe52del; Mmalton; PI M(MALTON); SERPINA1, PHE52DEL ON M2; F52del; c.221TCT[2], p.Phe76del (NM_001002235.3, NM_001002236.3, NM_001127700.2 and 7 more transcripts); c.227_229delTCT (NM_000295.4); short protein forms F76del.
Identifiers: ClinVar variation 315028 (VCV000315028.37), dbSNP rs775982338, ClinGen allele CA347671.